The following is an entry in ClinVar:

NM_001384317.1(ZHX3):c.686A>C (p.Asp229Ala)

Gene: ZHX3 (zinc fingers and homeoboxes 3; minus strand). Cytogenetic location: 20q12.
Variant type: single nucleotide variant.
Coding change: c.686A>C on transcript NM_001384317.1 (MANE Select); coding-DNA position 686, A replaced by C.
Protein change: p.Asp229Ala; replaces aspartic acid 229 with alanine.
Molecular consequence: missense variant.
Genome position (GRCh38, 1-based): chr20:41,204,231, T>G on the plus strand (A>C on the coding strand, the complement: ZHX3 is on the minus strand). VCF-style: chr20-41204231-T-G. GRCh37 (hg19) VCF-style: chr20-39832871-T-G.
Other names: c.686A>C, p.Asp229Ala (NM_001384315.1, NM_001384316.1, NM_001384318.1 and 8 more transcripts); short protein forms D229A.
Identifiers: ClinVar variation 4776829 (VCV004776829.1).
Genomic context (GRCh38, chr20:41,204,231, plus strand): 5'-TTTTTTGCAGAGCTGGCAGATGCCTGGCTGACTGGAACTGCCCCATTGATGAAGGAATGG[T>G]CCCCCTCTCTCACCTCCATTTCTCCAGTCGACAGCTTTGGTAAGGCCTCACCCACAGGCT-3'
Protein context (NP_001371246.1, residues 219-239): STGEMEVREG[Asp229Ala]HSFINGAVPV

ClinVar aggregate classification (germline): Uncertain significance (1 of 4 stars; one submission).

gnomAD v4.1: 1 of 1,613,524 alleles (0.000062%); highest among the groups gnomAD compares: Non-Finnish European, 0.000085%; no homozygotes.

Submission:

Labcorp Genetics (formerly Invitae), Labcorp
Classification: Uncertain significance. Last evaluated: 2025-10-05. Review status: criteria provided, single submitter. Criteria: Invitae Variant Classification Sherloc (09022015). Collection method: clinical testing. Allele origin: germline.
Comment: This sequence change replaces aspartic acid, which is acidic and polar, with alanine, which is neutral and non-polar, at codon 229 of the ZHX3 protein (p.Asp229Ala). This variant is not present in population databases (gnomAD no frequency). This variant has not been reported in the literature in individuals affected with ZHX3-related conditions. An algorithm developed to predict the effect of missense changes on protein structure and function (PolyPhen-2) suggests that this variant is likely to be tolerated. In summary, the available evidence is currently insufficient to determine the role of this variant in disease. Therefore, it has been classified as a Variant of Uncertain Significance.